The following is an entry in ClinVar:

NM_004304.5(ALK):c.4295_4297del (p.Arg1432_Glu1433delinsGln)

Gene: ALK (ALK receptor tyrosine kinase; minus strand). Cytogenetic location: 2p23.2.
Variant type: Deletion.
Coding change: c.4295_4297del on transcript NM_004304.5 (MANE Select); coding-DNA positions 4295 to 4297, 3 bases deleted (GGG; older notation c.4295_4297delGGG).
Protein change: p.Arg1432_Glu1433delinsGln.
Molecular consequence: inframe indel.
Genome position (GRCh38, 1-based): chr2:29,193,790-29,193,792, CCC deleted on the plus strand (GGG on the coding strand, the reverse complement: ALK is on the minus strand). VCF-style (leftmost placement, unchanged base first): chr2-29193789-TCCC-T. GRCh37 (hg19) VCF-style: chr2-29416655-TCCC-T.
Other names: c.1091_1093del, p.Arg364_Glu365delinsGln (NM_001353765.2).
Identifiers: ClinVar variation 4727911 (VCV004727911.1).
Genomic context (GRCh38, chr2:29,193,789, plus strand): 5'-GCAGCCTTGCCAGAGGAGGTGGTAGGCAGAGGTGGTGGGGCAGCTGGGCTGCGCTCCTCC[TCCC>T]GTTTTGCCTGTTGAGAGACCAGGAGAGGAGGAACCCCCTCAGGGTCCTTGGGCCTCACAG-3'

ClinVar aggregate classification (germline): Uncertain significance (1 of 4 stars; one submission).

Conditions:
Neuroblastoma, susceptibility to, 3. Also called: ALK-Related Neuroblastic Tumor Susceptibility. Identifiers: Orphanet 635, MedGen C2751681, MONDO:0013083, OMIM 613014.

Submission:

Labcorp Genetics (formerly Invitae), Labcorp
Classification: Uncertain significance for Neuroblastoma, susceptibility to, 3. Last evaluated: 2025-09-27. Review status: criteria provided, single submitter. Criteria: Invitae Variant Classification Sherloc (09022015). Collection method: clinical testing. Allele origin: germline.
Comment: This variant, c.4295_4297del, is a complex sequence change that results in the deletion of 2 and insertion of 1 amino acid(s) in the ALK protein (p.Arg1432_Glu1433delinsGln). This variant is not present in population databases (gnomAD no frequency). This variant has not been reported in the literature in individuals affected with ALK-related conditions. Experimental studies and prediction algorithms are not available or were not evaluated, and the functional significance of this variant is currently unknown. In summary, the available evidence is currently insufficient to determine the role of this variant in disease. Therefore, it has been classified as a Variant of Uncertain Significance.